The following is an entry in ClinVar:

NM_000548.5(TSC2):c.4506G>A (p.Leu1502=)

Gene: TSC2 (TSC complex subunit 2; plus strand). Cytogenetic location: 16p13.3.
Variant type: single nucleotide variant.
Coding change: c.4506G>A on transcript NM_000548.5 (MANE Select); coding-DNA position 4506, G replaced by A.
Protein change: p.Leu1502=; no amino-acid change (leucine 1502 retained).
Molecular consequence: synonymous variant.
Genome position (GRCh38, 1-based): chr16:2,084,963, G>A. VCF-style: chr16-2084963-G-A. GRCh37 (hg19) VCF-style: chr16-2134964-G-A.
Other names: c.4305G>A, p.Leu1435= (NM_001077183.3); c.4437G>A, p.Leu1479= (NM_001114382.3); c.4197G>A, p.Leu1399= (NM_001318827.2); c.4161G>A, p.Leu1387= (NM_001318829.2); c.3774G>A, p.Leu1258= (NM_001318831.2); c.4338G>A, p.Leu1446= (NM_001318832.2); c.4308G>A, p.Leu1436= (NM_001363528.2); c.4374G>A, p.Leu1458= (NM_001370404.1); and 1 more.
Identifiers: ClinVar variation 536088 (VCV000536088.13), dbSNP rs1555514870, ClinGen allele CA493043362.

ClinVar aggregate classification (germline): Conflicting classifications of pathogenicity. Review status: criteria provided, conflicting classifications (1 of 4 stars). 5 submissions from 5 submitters: Uncertain significance (1); Benign (1); Likely benign (3). Last evaluated 2025-06-03.

Conditions:
Hereditary cancer-predisposing syndrome. Also called: Neoplastic Syndromes, Hereditary; Tumor predisposition; Hereditary Cancer Syndrome; Hereditary neoplastic syndrome. Identifiers: Orphanet 140162, MedGen C0027672, MeSH D009386, MONDO:0015356.
Tuberous sclerosis syndrome (TSC). Also called: Tuberous Sclerosis Complex; Tuberous sclerosis. Identifiers: Orphanet 805, MedGen C0041341, MONDO:0001734.
Tuberous sclerosis 2 (TSC2). Identifiers: Orphanet 805, MedGen C1860707, MONDO:0013199, OMIM 613254.

Allele frequency attached by ClinVar (database versions not stated): gnomAD exomes below 0.00001.
gnomAD v4.1: 2 of 1,613,336 alleles (0.00012%); highest among the groups gnomAD compares: Non-Finnish European, 0.00017%; no homozygotes.

Submissions (5):

Myriad Genetics, Inc.
Classification: Benign for Tuberous sclerosis 2. Last evaluated: 2025-06-03. Review status: criteria provided, single submitter. Criteria: Myriad Autosomal Dominant, Autosomal Recessive and X-Linked Classification Criteria (2023). Collection method: clinical testing. Allele origin: unknown.
Comment: This variant is considered benign. This variant is a silent/synonymous amino acid change and it is not expected to impact splicing.

Ambry Genetics
Classification: Likely benign for Hereditary cancer-predisposing syndrome. Last evaluated: 2025-01-08. Review status: criteria provided, single submitter. Criteria: Ambry Variant Classification Scheme 2023. Collection method: clinical testing. Allele origin: germline.

Labcorp Genetics (formerly Invitae), Labcorp
Classification: Likely benign for Tuberous sclerosis 2. Last evaluated: 2024-07-16. Review status: criteria provided, single submitter. Criteria: Invitae Variant Classification Sherloc (09022015). Collection method: clinical testing. Allele origin: germline.

GeneDx
Classification: Uncertain significance. Last evaluated: 2024-03-01. Review status: criteria provided, single submitter. Criteria: GeneDx Variant Classification Process June 2021. Collection method: clinical testing. Allele origin: germline. Affected: yes.
Comment: Not observed at significant frequency in large population cohorts (gnomAD); Has not been previously published as pathogenic or benign to our knowledge; In silico analysis suggests this variant may impact gene splicing. In the absence of RNA/functional studies, the actual effect of this sequence change is unknown.

Color Diagnostics, LLC DBA Color Health
Classification: Likely benign for Tuberous sclerosis syndrome. Last evaluated: 2022-10-09. Review status: criteria provided, single submitter. Criteria: ACMG Guidelines, 2015. Collection method: clinical testing. Allele origin: germline.